The following is an entry in ClinVar:

NM_001252024.2(TRPM1):c.2250C>A (p.Cys750Ter)

Gene: TRPM1 (transient receptor potential cation channel subfamily M member 1; minus strand). Cytogenetic location: 15q13.3.
Variant type: single nucleotide variant.
Coding change: c.2250C>A on transcript NM_001252024.2 (MANE Select); coding-DNA position 2250, C replaced by A.
Protein change: p.Cys750Ter; replaces cysteine 750 with a stop codon.
Molecular consequence: nonsense.
Genome position (GRCh38, 1-based): chr15:31,040,184, G>T on the plus strand (C>A on the coding strand, the complement: TRPM1 is on the minus strand). VCF-style: chr15-31040184-G-T. GRCh37 (hg19) VCF-style: chr15-31332387-G-T.
Other names: c.2301C>A, p.Cys767Ter (NM_001252020.2); c.2184C>A, p.Cys728Ter (NM_002420.6); short protein forms C750*, C728*, C767*.
Identifiers: ClinVar variation 1457255 (VCV001457255.6), dbSNP rs2140927283, ClinGen allele CA391509733.

ClinVar aggregate classification (germline): Pathogenic (1 of 4 stars; one submission).

Submission:

Labcorp Genetics (formerly Invitae), Labcorp
Classification: Pathogenic. Last evaluated: 2020-12-18. Review status: criteria provided, single submitter. Criteria: Invitae Variant Classification Sherloc (09022015). Collection method: clinical testing. Allele origin: germline.
Comment: For these reasons, this variant has been classified as Pathogenic. This variant has not been reported in the literature in individuals with TRPM1-related conditions. This variant is not present in population databases (ExAC no frequency). This sequence change creates a premature translational stop signal (p.Cys728*) in the TRPM1 gene. It is expected to result in an absent or disrupted protein product. Loss-of-function variants in TRPM1 are known to be pathogenic (PMID: 19896113, 19966281, 20300565).

Literature cited by the submitters: PubMed 19896113; PubMed 19966281; PubMed 20300565.